The following is an entry in ClinVar:

NM_001148.6(ANK2):c.932A>T (p.His311Leu)

Gene: ANK2 (ankyrin 2; plus strand). Cytogenetic location: 4q26.
Variant type: single nucleotide variant.
Coding change: c.932A>T on transcript NM_001148.6 (MANE Select); coding-DNA position 932, A replaced by T.
Protein change: p.His311Leu; replaces histidine 311 with leucine.
Molecular consequence: missense variant.
Genome position (GRCh38, 1-based): chr4:113,249,804, A>T. VCF-style: chr4-113249804-A-T. GRCh37 (hg19) VCF-style: chr4-114170960-A-T.
Other names: c.869A>T, p.His290Leu (NM_001127493.3, NM_001354239.2, NM_001354243.2 and 14 more transcripts); c.932A>T, p.His311Leu (NM_001354225.2, NM_001354228.2, NM_001354232.2 and 9 more transcripts); c.977A>T, p.His326Leu (NM_001354230.2, NM_001354231.2, NM_001354237.2 and 5 more transcripts); c.845A>T, p.His282Leu (NM_001354249.2, NM_001354260.2, NM_001354264.2 and 16 more transcripts); c.890A>T, p.His297Leu (NM_001354261.2, NM_001386147.1, NM_001386160.1); c.920A>T, p.His307Leu (NM_001354269.3, NM_001386148.2, NM_001386186.2); c.983A>T, p.His328Leu (NM_001386174.1); c.959A>T, p.His320Leu (NM_001386175.1); and 1 more; short protein forms H307L, H282L, H297L, H311L, H328L, H320L, H290L, H299L.
Identifiers: ClinVar variation 4713009 (VCV004713009.1).

ClinVar aggregate classification (germline): Uncertain significance (1 of 4 stars; one submission).

Conditions:
Long QT syndrome (LQTS). Identifiers: MedGen C0023976, MeSH D008133, MONDO:0002442. Disease mechanism: loss of function. Inheritance: Various modes of inheritance.

Submission:

Labcorp Genetics (formerly Invitae), Labcorp
Classification: Uncertain significance for Long QT syndrome. Last evaluated: 2025-12-01. Review status: criteria provided, single submitter. Criteria: Invitae Variant Classification Sherloc (09022015). Collection method: clinical testing. Allele origin: germline.
Comment: This sequence change replaces histidine, which is basic and polar, with leucine, which is neutral and non-polar, at codon 311 of the ANK2 protein (p.His311Leu). This variant is not present in population databases (gnomAD no frequency). This variant has not been reported in the literature in individuals affected with ANK2-related conditions. Invitae Evidence Modeling of protein sequence and biophysical properties (such as structural, functional, and spatial information, amino acid conservation, physicochemical variation, residue mobility, and thermodynamic stability) has been performed for this missense variant. However, the output from this modeling did not meet the statistical confidence thresholds required to predict the impact of this variant on ANK2 protein function. In summary, the available evidence is currently insufficient to determine the role of this variant in disease. Therefore, it has been classified as a Variant of Uncertain Significance.